The following is an entry in ClinVar:

NM_001190274.2(FBXO11):c.236A>G (p.Asp79Gly)

Gene: FBXO11 (F-box protein 11; minus strand). Cytogenetic location: 2p16.3.
Variant type: single nucleotide variant.
Coding change: c.236A>G on transcript NM_001190274.2 (MANE Select); coding-DNA position 236, A replaced by G.
Protein change: p.Asp79Gly; replaces aspartic acid 79 with glycine.
Molecular consequence: missense variant. On other transcripts: 5 prime UTR variant (2).
Genome position (GRCh38, 1-based): chr2:47,839,766, T>C on the plus strand (A>G on the coding strand, the complement: FBXO11 is on the minus strand). VCF-style: chr2-47839766-T-C. GRCh37 (hg19) VCF-style: chr2-48066905-T-C.
Other names: c.-17A>G (NM_001374325.1, NM_025133.4); short protein forms D79G.
Identifiers: ClinVar variation 871166 (VCV000871166.46), dbSNP rs1313581679, ClinGen allele CA346813881.

ClinVar aggregate classification (germline): Uncertain significance. Review status: criteria provided, multiple submitters, no conflicts (2 of 4 stars). 2 submissions from 2 submitters: Uncertain significance (2). Last evaluated 2026-01-05.

Allele frequency attached by ClinVar (database versions not stated): gnomAD exomes below 0.00001; TOPMed below 0.00001; gnomAD 0.00001.
gnomAD v4.1: 3 of 1,611,984 alleles (0.00019%); highest among the groups gnomAD compares: East Asian, 0.0022%; no homozygotes.

Submissions (2):

Labcorp Genetics (formerly Invitae), Labcorp
Classification: Uncertain significance. Last evaluated: 2026-01-05. Review status: criteria provided, single submitter. Criteria: Invitae Variant Classification Sherloc (09022015). Collection method: clinical testing. Allele origin: germline.
Comment: This sequence change replaces aspartic acid, which is acidic and polar, with glycine, which is neutral and non-polar, at codon 79 of the FBXO11 protein (p.Asp79Gly). This variant is not present in population databases (gnomAD no frequency). This variant has not been reported in the literature in individuals affected with FBXO11-related conditions. ClinVar contains an entry for this variant (Variation ID: 871166). An algorithm developed to predict the effect of missense changes on protein structure and function (PolyPhen-2) suggests that this variant is likely to be tolerated. In summary, the available evidence is currently insufficient to determine the role of this variant in disease. Therefore, it has been classified as a Variant of Uncertain Significance.

CeGaT Center for Human Genetics Tuebingen
Classification: Uncertain significance. Last evaluated: 2019-08-01. Review status: criteria provided, single submitter. Criteria: CeGaT Center For Human Genetics Tuebingen Variant Classification Criteria Version 2. Collection method: clinical testing. Allele origin: germline. Affected: yes. Observed: 1 variant allele.